The following is an entry in ClinVar:

ClinVar aggregate classification (germline): Benign (1 of 4 stars; one submission).

Allele frequency attached by ClinVar (database versions not stated): gnomAD exomes 0.58792; gnomAD 0.60934 and 0.61005; TOPMed 0.61843; 1000 Genomes Project 30x 0.62961; 1000 Genomes Project 0.63039.
gnomAD v4.1: 710,128 of 1,201,710 alleles (59%); highest among the groups gnomAD compares: African/African-American, 68%; 211,343 homozygotes.

Submission:

GeneDx
Classification: Benign. Last evaluated: 2018-06-14. Review status: criteria provided, single submitter. Criteria: GeneDx Variant Classification (06012015). Collection method: clinical testing. Allele origin: germline. Affected: yes.
Comment: This variant is considered likely benign or benign based on one or more of the following criteria: it is a conservative change, it occurs at a poorly conserved position in the protein, it is predicted to be benign by multiple in silico algorithms, and/or has population frequency not consistent with disease.

NM_000426.4(LAMA2):c.6708-98C>T

Gene: LAMA2 (laminin subunit alpha 2; plus strand). Cytogenetic location: 6q22.33.
Variant type: single nucleotide variant.
Coding change: c.6708-98C>T on transcript NM_000426.4 (MANE Select); 98 bases into the intron before coding-DNA position 6708, C replaced by T.
Molecular consequence: intron variant.
Genome position (GRCh38, 1-based): chr6:129,456,237, C>T. VCF-style: chr6-129456237-C-T. GRCh37 (hg19) VCF-style: chr6-129777382-C-T.
Other names: c.6708-98C>T (NM_001079823.2).
Identifiers: ClinVar variation 682942 (VCV000682942.1), dbSNP rs1811970, ClinGen allele CA12420942.
Genomic context (GRCh38, chr6:129,456,237, plus strand): 5'-AATTTGGAATGTTAGAAACTAAACAGCCAGTTTTCTCTTAAATTCTTAAAAACAAGTCTC[C>T]GCATTTTATATCTTTTAAATCTGGAATTACCAGAAATGTGATGCATATTTCATTTTCTGT-3'